The following is an entry in ClinVar:

NM_001081.4(CUBN):c.1999A>G (p.Thr667Ala)

Gene: CUBN (cubilin; minus strand). Cytogenetic location: 10p13.
Variant type: single nucleotide variant.
Coding change: c.1999A>G on transcript NM_001081.4 (MANE Select); coding-DNA position 1999, A replaced by G.
Protein change: p.Thr667Ala; replaces threonine 667 with alanine.
Molecular consequence: missense variant.
Genome position (GRCh38, 1-based): chr10:17,085,708, T>C on the plus strand (A>G on the coding strand, the complement: CUBN is on the minus strand). VCF-style: chr10-17085708-T-C. GRCh37 (hg19) VCF-style: chr10-17127707-T-C.
Other names: short protein forms T667A.
Identifiers: ClinVar variation 568981 (VCV000568981.11), dbSNP rs141089159, ClinGen allele CA5425127.

ClinVar aggregate classification (germline): Uncertain significance. Review status: criteria provided, multiple submitters, no conflicts (2 of 4 stars). 2 submissions from 2 submitters: Uncertain significance (2). Last evaluated 2025-10-07.

Conditions:
Imerslund-Grasbeck syndrome. Also called: PERNICIOUS ANEMIA, JUVENILE, DUE TO SELECTIVE INTESTINAL MALABSORPTION OF VITAMIN B12, WITH PROTEINURIA; Imerslund-Gräsbeck syndrome; ENTEROCYTE COBALAMIN MALABSORPTION; ENTEROCYTE INTRINSIC FACTOR RECEPTOR, DEFECT OF; Megaloblastic anemia due to inborn errors of metabolism. Identifiers: Orphanet 35858, MedGen C4551825, MONDO:0009853.
Inborn genetic diseases. Identifiers: MedGen C0950123, MeSH D030342.

Allele frequency attached by ClinVar (database versions not stated): TOPMed 0.00002; gnomAD exomes 0.00003 and 0.00005; ExAC 0.00004; gnomAD 0.00006 and 0.00008; 1000 Genomes Project 30x 0.00016; 1000 Genomes Project 0.00020.
gnomAD v4.1: 85 of 1,613,976 alleles (0.0053%); highest among the groups gnomAD compares: Non-Finnish European, 0.0066%; no homozygotes.

Submissions (2):

Ambry Genetics
Classification: Uncertain significance for Inborn genetic diseases. Last evaluated: 2025-10-07. Review status: criteria provided, single submitter. Criteria: Ambry Variant Classification Scheme 2023. Collection method: clinical testing. Allele origin: germline.

Labcorp Genetics (formerly Invitae), Labcorp
Classification: Uncertain significance for Imerslund-Grasbeck syndrome. Last evaluated: 2025-09-02. Review status: criteria provided, single submitter. Criteria: Invitae Variant Classification Sherloc (09022015). Collection method: clinical testing. Allele origin: germline.
Comment: This sequence change replaces threonine, which is neutral and polar, with alanine, which is neutral and non-polar, at codon 667 of the CUBN protein (p.Thr667Ala). This variant is present in population databases (rs141089159, gnomAD 0.005%). This variant has not been reported in the literature in individuals affected with CUBN-related conditions. ClinVar contains an entry for this variant (Variation ID: 568981). Invitae Evidence Modeling of protein sequence and biophysical properties (such as structural, functional, and spatial information, amino acid conservation, physicochemical variation, residue mobility, and thermodynamic stability) indicates that this missense variant is expected to disrupt CUBN protein function with a positive predictive value of 80%. In summary, the available evidence is currently insufficient to determine the role of this variant in disease. Therefore, it has been classified as a Variant of Uncertain Significance.